The following is an entry in ClinVar:

NM_182914.3(SYNE2):c.12572G>A (p.Gly4191Asp)

Gene: SYNE2 (spectrin repeat containing nuclear envelope protein 2; plus strand). Cytogenetic location: 14q23.2.
Variant type: single nucleotide variant.
Coding change: c.12572G>A on transcript NM_182914.3 (MANE Select); coding-DNA position 12572, G replaced by A.
Protein change: p.Gly4191Asp; replaces glycine 4191 with aspartic acid.
Molecular consequence: missense variant.
Genome position (GRCh38, 1-based): chr14:64,107,570, G>A. VCF-style: chr14-64107570-G-A. GRCh37 (hg19) VCF-style: chr14-64574288-G-A.
Other names: c.12572G>A, p.Gly4191Asp (NM_015180.6); short protein forms G4191D.
Identifiers: ClinVar variation 313574 (VCV000313574.47), dbSNP rs145227848, ClinGen allele CA7222193.

ClinVar aggregate classification (germline): Conflicting classifications of pathogenicity. Review status: criteria provided, conflicting classifications (1 of 4 stars). 11 submissions from 11 submitters: Uncertain significance (1); Benign (2); Likely benign (6). 2 of the submissions do not count toward it. Last evaluated 2026-01-26.

Conditions:
SYNE2-related disorder. Also called: SYNE2-related condition.
Emery-Dreifuss muscular dystrophy 5, autosomal dominant (EDMD5). Also called: EMERY-DREIFUSS MUSCULAR DYSTROPHY 5. Identifiers: Orphanet 261, MedGen C2751805, MONDO:0013072, OMIM 612999.

Allele frequency attached by ClinVar (database versions not stated): 1000 Genomes Project 30x 0.00016; 1000 Genomes Project 0.00020; ESP Exome Variant Server 0.00077; gnomAD exomes 0.00086; ExAC 0.00091; gnomAD 0.00094 and 0.00096; TOPMed 0.00097.
gnomAD v4.1: 2,392 of 1,614,040 alleles (0.15%); highest among the groups gnomAD compares: Non-Finnish European, 0.18%; 4 homozygotes.

Submissions (11):

Labcorp Genetics (formerly Invitae), Labcorp
Classification: Likely benign for Emery-Dreifuss muscular dystrophy 5, autosomal dominant. Last evaluated: 2026-01-26. Review status: criteria provided, single submitter. Criteria: Invitae Variant Classification Sherloc (09022015). Collection method: clinical testing. Allele origin: germline.

Women's Health and Genetics/Laboratory Corporation of America, LabCorp
Classification: Likely benign. Last evaluated: 2025-03-25. Review status: criteria provided, single submitter. Criteria: LabCorp Variant Classification Summary - May 2015. Collection method: clinical testing. Allele origin: germline.
Comment: Variant summary: SYNE2 c.12572G>A (p.Gly4191Asp) results in a non-conservative amino acid change in the encoded protein sequence. Three of five in-silico tools predict a benign effect of the variant on protein function. The variant allele was found at a frequency of 0.00086 in 251442 control chromosomes, predominantly at a frequency of 0.0015 within the South Asian subpopulation in the gnomAD database. The observed variant frequency within South Asian control individuals in the gnomAD database exceeds the estimated maximal expected allele frequency for a pathogenic variant in SYNE2 causing Emery-Dreifuss muscular dystrophy 5, autosomal dominant phenotype. c.12572G>A has been reported in the literature in an individual with atrial fibrillation (Gregers_2017). This report does not provide unequivocal conclusions about association of the variant with Emery-Dreifuss muscular dystrophy 5, autosomal dominant. To our knowledge, no experimental evidence demonstrating an impact on protein function has been reported. The following publication has been ascertained in the context of this evaluation (PMID: 28549997). ClinVar contains an entry for this variant (Variation ID: 313574). Based on the evidence outlined above, the variant was classified as likely benign.

Blueprint Genetics
Classification: Likely benign. Last evaluated: 2024-11-15. Review status: criteria provided, single submitter. Criteria: ACMG Guidelines, 2015. Collection method: clinical testing. Allele origin: germline.

CeGaT Center for Human Genetics Tuebingen
Classification: Benign. Last evaluated: 2024-10-01. Review status: criteria provided, single submitter. Criteria: CeGaT Center For Human Genetics Tuebingen Variant Classification Criteria Version 2. Collection method: clinical testing. Allele origin: germline. Affected: yes. Observed: 2 variant alleles.
Comment: SYNE2: BP4, BS1, BS2

Athena Diagnostics
Classification: Likely benign. Last evaluated: 2023-10-24. Review status: criteria provided, single submitter. Criteria: Athena Diagnostics Criteria. Collection method: clinical testing. Allele origin: unknown.

Ambry Genetics
Classification: Uncertain significance. Last evaluated: 2021-09-30. Review status: criteria provided, single submitter. Criteria: Ambry Variant Classification Scheme 2023. Collection method: clinical testing. Allele origin: germline.

Illumina Laboratory Services, Illumina
Classification: Benign for Emery-Dreifuss muscular dystrophy 5, autosomal dominant. Last evaluated: 2018-01-13. Review status: criteria provided, single submitter. Criteria: ICSL Variant Classification Criteria 13 December 2019. Collection method: clinical testing. Allele origin: germline.
Comment: This variant was observed in the ICSL laboratory as part of a predisposition screen in an ostensibly healthy population. It had not been previously curated by ICSL or reported in the Human Gene Mutation Database (HGMD: prior to June 1st, 2018), and was therefore a candidate for classification through an automated scoring system. Utilizing variant allele frequency, disease prevalence and penetrance estimates, and inheritance mode, an automated score was calculated to assess if this variant is too frequent to cause the disease. Based on the score and internal cut-off values, a variant classified as benign is not then subjected to further curation. The score for this variant resulted in a classification of benign for this disease.

Genome Diagnostics Laboratory, University Medical Center Utrecht
Classification: Likely benign for Emery-Dreifuss muscular dystrophy 5, autosomal dominant. Last evaluated: 2017-07-28. Review status: criteria provided, single submitter. Criteria: ACGS Guidelines, 2013. Collection method: clinical testing. Allele origin: germline. Affected: yes. Study: VKGL Data-share Consensus.

Clinical Genetics DNA and cytogenetics Diagnostics Lab, Erasmus MC, Erasmus Medical Center
Classification: Likely benign for Emery-Dreifuss muscular dystrophy 5, autosomal dominant. Last evaluated: 2017-06-06. Review status: criteria provided, single submitter. Criteria: ACGS Guidelines, 2013. Collection method: clinical testing. Allele origin: germline. Affected: yes. Study: VKGL Data-share Consensus.

PreventionGenetics, part of Exact Sciences
Classification: Likely benign for SYNE2-related condition. Last evaluated: 2022-06-28. Review status: no assertion criteria provided. Collection method: clinical testing. Allele origin: germline. Not counted in ClinVar's aggregate classification.
Comment: This variant is classified as likely benign based on ACMG/AMP sequence variant interpretation guidelines (Richards et al. 2015 PMID: 25741868, with internal and published modifications).

Diagnostic Laboratory, Department of Genetics, University Medical Center Groningen
Classification: Likely benign for Emery-Dreifuss muscular dystrophy 5, autosomal dominant. Review status: no assertion criteria provided. Collection method: clinical testing. Allele origin: germline. Affected: yes. Study: VKGL Data-share Consensus. Not counted in ClinVar's aggregate classification.

Literature cited by the submitters: PubMed 28549997 (cited by Women's Health and Genetics/Laboratory Corporation of America, LabCorp).